The following is an entry in ClinVar:

ClinVar aggregate classification (germline): Uncertain significance. Review status: criteria provided, multiple submitters, no conflicts (2 of 4 stars). 7 submissions from 7 submitters: Uncertain significance (7). Last evaluated 2026-01-21.

Conditions:
Hereditary cancer-predisposing syndrome. Also called: Hereditary neoplastic syndrome; Tumor predisposition; Neoplastic Syndromes, Hereditary; Hereditary Cancer Syndrome. Identifiers: Orphanet 140162, MedGen C0027672, MeSH D009386, MONDO:0015356.
Familial colorectal cancer type X. Identifiers: Orphanet 440437, MedGen C3896578, MONDO:0018604.
Polymerase proofreading-related adenomatous polyposis. Also called: Polymerase proofreading associated polyposis; Polymerase proofreading–associated polyposis (PPAP). Identifiers: Orphanet 447877, MedGen C5202613, MONDO:0018653.

Allele frequency attached by ClinVar (database versions not stated): ExAC 0.00001; gnomAD 0.00001; gnomAD exomes 0.00001; TOPMed 0.00001.

Submissions (7):

Labcorp Genetics (formerly Invitae), Labcorp
Classification: Uncertain significance. Last evaluated: 2026-01-21. Review status: criteria provided, single submitter. Criteria: Invitae Variant Classification Sherloc (09022015). Collection method: clinical testing. Allele origin: germline.
Comment: This sequence change replaces arginine, which is basic and polar, with cysteine, which is neutral and slightly polar, at codon 616 of the POLE protein (p.Arg616Cys). This variant is present in population databases (rs752076074, gnomAD 0.003%). This variant has not been reported in the literature in individuals affected with POLE-related conditions. ClinVar contains an entry for this variant (Variation ID: 473491). Invitae Evidence Modeling of protein sequence and biophysical properties (such as structural, functional, and spatial information, amino acid conservation, physicochemical variation, residue mobility, and thermodynamic stability) has been performed for this missense variant. However, the output from this modeling did not meet the statistical confidence thresholds required to predict the impact of this variant on POLE protein function. In summary, the available evidence is currently insufficient to determine the role of this variant in disease. Therefore, it has been classified as a Variant of Uncertain Significance.

CeGaT Center for Human Genetics Tuebingen
Classification: Uncertain significance. Last evaluated: 2025-06-01. Review status: criteria provided, single submitter. Criteria: CeGaT Center For Human Genetics Tuebingen Variant Classification Criteria Version 2. Collection method: clinical testing. Allele origin: germline. Affected: yes. Observed: 1 variant allele.

Center for Genomic Medicine, Rigshospitalet, Copenhagen University Hospital
Classification: Uncertain significance. Last evaluated: 2025-03-04. Review status: criteria provided, single submitter. Criteria: ACMG Guidelines, 2015. Collection method: clinical testing. Allele origin: germline.

Ambry Genetics
Classification: Uncertain significance for Hereditary cancer-predisposing syndrome. Last evaluated: 2024-12-13. Review status: criteria provided, single submitter. Criteria: Ambry Variant Classification Scheme 2023. Collection method: clinical testing. Allele origin: germline.
Comment: The p.R616C variant (also known as c.1846C>T), located in coding exon 17 of the POLE gene, results from a C to T substitution at nucleotide position 1846. The arginine at codon 616 is replaced by cysteine, an amino acid with highly dissimilar properties. This amino acid position is conserved. In addition, the in silico prediction for this alteration is inconclusive. Based on the available evidence, the clinical significance of this variant remains unclear.

GeneDx
Classification: Uncertain significance. Last evaluated: 2023-09-26. Review status: criteria provided, single submitter. Criteria: GeneDx Variant Classification Process June 2021. Collection method: clinical testing. Allele origin: germline. Affected: yes.
Comment: Not observed at significant frequency in large population cohorts (gnomAD); In silico analysis supports that this missense variant has a deleterious effect on protein structure/function; Has not been previously published as pathogenic or benign to our knowledge

Mendelics
Classification: Uncertain significance. Last evaluated: 2022-05-04. Review status: criteria provided, single submitter. Criteria: Mendelics Assertion Criteria 2019. Collection method: clinical testing. Allele origin: germline.

Department of Pathology and Laboratory Medicine, Sinai Health System
Classification: Uncertain significance for Polymerase proofreading-related adenomatous polyposis; Familial colorectal cancer type X. Last evaluated: 2021-08-09. Review status: criteria provided, single submitter. Criteria: ACMG Guidelines, 2015. Collection method: clinical testing. Allele origin: germline. Affected: yes.

NM_006231.4(POLE):c.1846C>T (p.Arg616Cys)

Gene: POLE (DNA polymerase epsilon, catalytic subunit; minus strand). Cytogenetic location: 12q24.33.
Variant type: single nucleotide variant.
Coding change: c.1846C>T on transcript NM_006231.4 (MANE Select); coding-DNA position 1846, C replaced by T.
Protein change: p.Arg616Cys; replaces arginine 616 with cysteine.
Molecular consequence: missense variant.
Genome position (GRCh38, 1-based): chr12:132,668,888, G>A on the plus strand (C>T on the coding strand, the complement: POLE is on the minus strand). VCF-style: chr12-132668888-G-A. GRCh37 (hg19) VCF-style: chr12-133245474-G-A.
Other names: short protein forms R616C.
Identifiers: ClinVar variation 473491 (VCV000473491.33), dbSNP rs752076074, ClinGen allele CA6893799.